The following is an entry in ClinVar:

NM_032578.4(MYPN):c.713C>T (p.Ala238Val)

Gene: MYPN (myopalladin; plus strand). Cytogenetic location: 10q21.3.
Variant type: single nucleotide variant.
Coding change: c.713C>T on transcript NM_032578.4 (MANE Select); coding-DNA position 713, C replaced by T.
Protein change: p.Ala238Val; replaces alanine 238 with valine.
Molecular consequence: missense variant. On other transcripts: 5 prime UTR variant (1), non-coding transcript variant (1).
Genome position (GRCh38, 1-based): chr10:68,122,151, C>T. VCF-style: chr10-68122151-C-T. GRCh37 (hg19) VCF-style: chr10-69881908-C-T.
Other names: c.713C>T, p.Ala238Val (NM_001256267.2); c.-410C>T (NM_001256268.2); c.713C>T (NM_032578.2); short protein forms A238V.
Identifiers: ClinVar variation 1701135 (VCV001701135.32), dbSNP rs2042253887, ClinGen allele CA377104965.

ClinVar aggregate classification (germline): Uncertain significance. Review status: criteria provided, multiple submitters, no conflicts (2 of 4 stars). 2 submissions from 2 submitters: Uncertain significance (2). Last evaluated 2025-02-23.

Conditions:
Cardiovascular phenotype. Identifiers: MedGen CN230736.

Allele frequency attached by ClinVar (database versions not stated): TOPMed below 0.00001; gnomAD 0.00001; gnomAD exomes 0.00001.

Submissions (2):

Ambry Genetics
Classification: Uncertain significance for Cardiovascular phenotype. Last evaluated: 2025-02-23. Review status: criteria provided, single submitter. Criteria: Ambry Variant Classification Scheme 2023. Collection method: clinical testing. Allele origin: germline.
Comment: The p.A238V variant (also known as c.713C>T), located in coding exon 1 of the MYPN gene, results from a C to T substitution at nucleotide position 713. The alanine at codon 238 is replaced by valine, an amino acid with similar properties. This amino acid position is conserved. In addition, this alteration is predicted to be tolerated by in silico analysis. Based on the available evidence, the clinical significance of this variant remains unclear.

CeGaT Center for Human Genetics Tuebingen
Classification: Uncertain significance. Last evaluated: 2022-07-01. Review status: criteria provided, single submitter. Criteria: CeGaT Center For Human Genetics Tuebingen Variant Classification Criteria Version 2. Collection method: clinical testing. Allele origin: germline. Affected: yes. Observed: 1 variant allele.
Comment: MYPN: PM2, BP4